The following is an entry in ClinVar:

NM_181552.4(CUX1):c.4237G>C (p.Ala1413Pro)

Gene: CUX1 (cut like homeobox 1; plus strand). Cytogenetic location: 7q22.1.
Variant type: single nucleotide variant.
Coding change: c.4237G>C on transcript NM_181552.4 (MANE Select); coding-DNA position 4237, G replaced by C.
Protein change: p.Ala1413Pro; replaces alanine 1413 with proline.
Molecular consequence: missense variant. On other transcripts: intron variant (5).
Genome position (GRCh38, 1-based): chr7:102,248,761, G>C. VCF-style: chr7-102248761-G-C. GRCh37 (hg19) VCF-style: chr7-101892041-G-C.
Other names: c.4270G>C, p.Ala1424Pro (NM_001202543.2); c.1256-24605G>C (NM_001913.5); c.1250-24605G>C (NM_181500.4); c.1118-24605G>C (NM_001202545.3); c.1208-24605G>C (NM_001202544.3); c.1139-24605G>C (NM_001202546.3); short protein forms A1413P, A1424P.
Identifiers: ClinVar variation 1800859 (VCV001800859.1), dbSNP rs1801113022, ClinGen allele CA368669433.

ClinVar aggregate classification (germline): Uncertain significance (1 of 4 stars; one submission).

Submission:

GeneDx
Classification: Uncertain significance. Last evaluated: 2022-05-24. Review status: criteria provided, single submitter. Criteria: GeneDx Variant Classification Process June 2021. Collection method: clinical testing. Allele origin: germline. Affected: yes.
Comment: Not observed at significant frequency in large population cohorts (gnomAD); In silico analysis supports that this missense variant does not alter protein structure/function; Has not been previously published as pathogenic or benign to our knowledge